The following is an entry in ClinVar:

NM_000548.5(TSC2):c.5407T>C (p.Phe1803Leu)

Gene: TSC2 (TSC complex subunit 2; plus strand). Cytogenetic location: 16p13.3.
Variant type: single nucleotide variant.
Coding change: c.5407T>C on transcript NM_000548.5 (MANE Select); coding-DNA position 5407, T replaced by C.
Protein change: p.Phe1803Leu; replaces phenylalanine 1803 with leucine.
Molecular consequence: missense variant. On other transcripts: non-coding transcript variant (5).
Genome position (GRCh38, 1-based): chr16:2,088,593, T>C. VCF-style: chr16-2088593-T-C. GRCh37 (hg19) VCF-style: chr16-2138594-T-C.
Other names: c.4807T>C, p.Phe1603Leu (NM_001406680.1); c.4747T>C, p.Phe1583Leu (NM_001406681.1); c.4738T>C, p.Phe1580Leu (NM_001406682.1, NM_001406683.1); c.4735T>C, p.Phe1579Leu (NM_001406684.1); c.4609T>C, p.Phe1537Leu (NM_001406685.1, NM_001406686.1); c.4606T>C, p.Phe1536Leu (NM_001406687.1, NM_001406688.1); c.3994T>C, p.Phe1332Leu (NM_001406689.1); c.3934T>C, p.Phe1312Leu (NM_001406690.1); and 27 more; short protein forms F1731L, F1732L, F1760L, F1766L, F1777L, F1559L, F1579L, F1583L.
Identifiers: ClinVar variation 2564633 (VCV002564633.5), dbSNP rs2544521045, ClinGen allele CA394316205.

ClinVar aggregate classification (germline): Uncertain significance. Review status: criteria provided, multiple submitters, no conflicts (2 of 4 stars). 2 submissions from 2 submitters: Uncertain significance (2). Last evaluated 2023-08-02.

Conditions:
Tuberous sclerosis 2 (TSC2). Identifiers: Orphanet 805, MedGen C1860707, MONDO:0013199, OMIM 613254.
Hereditary cancer-predisposing syndrome. Also called: Neoplastic Syndromes, Hereditary; Hereditary Cancer Syndrome; Tumor predisposition; Hereditary neoplastic syndrome. Identifiers: Orphanet 140162, MedGen C0027672, MeSH D009386, MONDO:0015356.

Submissions (2):

Labcorp Genetics (formerly Invitae), Labcorp
Classification: Uncertain significance for Tuberous sclerosis 2. Last evaluated: 2023-08-02. Review status: criteria provided, single submitter. Criteria: Invitae Variant Classification Sherloc (09022015). Collection method: clinical testing. Allele origin: germline.
Comment: In summary, the available evidence is currently insufficient to determine the role of this variant in disease. Therefore, it has been classified as a Variant of Uncertain Significance. This sequence change replaces phenylalanine, which is neutral and non-polar, with leucine, which is neutral and non-polar, at codon 1803 of the TSC2 protein (p.Phe1803Leu). ClinVar contains an entry for this variant (Variation ID: 2564633). Advanced modeling of protein sequence and biophysical properties (such as structural, functional, and spatial information, amino acid conservation, physicochemical variation, residue mobility, and thermodynamic stability) performed at Invitae indicates that this missense variant is not expected to disrupt TSC2 protein function. This variant is not present in population databases (gnomAD no frequency). This variant has not been reported in the literature in individuals affected with TSC2-related conditions.

Ambry Genetics
Classification: Uncertain significance for Hereditary cancer-predisposing syndrome. Last evaluated: 2023-04-06. Review status: criteria provided, single submitter. Criteria: Ambry Variant Classification Scheme 2023. Collection method: clinical testing. Allele origin: germline.
Comment: The p.F1803L variant (also known as c.5407T>C), located in coding exon 41 of the TSC2 gene, results from a T to C substitution at nucleotide position 5407. The phenylalanine at codon 1803 is replaced by leucine, an amino acid with highly similar properties. This amino acid position is conserved. In addition, this alteration is predicted to be deleterious by in silico analysis. Since supporting evidence is limited at this time, the clinical significance of this alteration remains unclear.